The following is an entry in ClinVar:

ClinVar aggregate classification (germline): Uncertain significance (1 of 4 stars; one submission).

Conditions:
Hereditary cancer-predisposing syndrome. Also called: Neoplastic Syndromes, Hereditary; Tumor predisposition; Hereditary Cancer Syndrome; Hereditary neoplastic syndrome. Identifiers: Orphanet 140162, MedGen C0027672, MeSH D009386, MONDO:0015356.

Submission:

Ambry Genetics
Classification: Uncertain significance for Hereditary cancer-predisposing syndrome. Last evaluated: 2015-03-12. Review status: criteria provided, single submitter. Criteria: Ambry Autosomal Dominant and X-Linked criteria (10/2015). Collection method: clinical testing. Allele origin: germline. Observed: 1 variant allele.
Comment: Thep.L149Ivariant (also known as c.445C>A), located in coding exon 4 of theCDH1gene, results from a C to A substitution at nucleotide position 445. The leucine at codon 149 is replaced by isoleucine, an amino acid with highly similar properties. This variant was not reported in population based cohorts in the following databases: Database of Single Nucleotide Polymorphisms (dbSNP), NHLBI Exome Sequencing Project (ESP), and 1000 Genomes Project. In the ESP, this variant was not observed in 6498 samples (12996 alleles) with coverage at this position.To date, this alteration has been detected with an allele frequency of approximately 0.001% (greater than 73000 alleles tested) in our clinical cohort. Based on proteinsequence alignment, thisamino acid position is highly conserved in available vertebrate species. In addition, the in silico prediction for this alteration is inconclusive.Since supporting evidence is limited at this time, the clinical significance ofp.L149Iremains unclear.

NM_004360.5(CDH1):c.445C>A (p.Leu149Ile)

Gene: CDH1 (cadherin 1; plus strand). Cytogenetic location: 16q22.1.
Variant type: single nucleotide variant.
Coding change: c.445C>A on transcript NM_004360.5 (MANE Select); coding-DNA position 445, C replaced by A.
Protein change: p.Leu149Ile; replaces leucine 149 with isoleucine.
Molecular consequence: missense variant. On other transcripts: 5 prime UTR variant (2).
Genome position (GRCh38, 1-based): chr16:68,808,481, C>A. VCF-style: chr16-68808481-C-A. GRCh37 (hg19) VCF-style: chr16-68842384-C-A.
Other names: c.445C>A, p.Leu149Ile (NM_001317184.2); c.-1171C>A (NM_001317185.2); c.445C>A (LRG_301t1); c.-1375C>A (NM_001317186.2); short protein forms L149I.
Identifiers: ClinVar variation 230798 (VCV000230798.3), dbSNP rs876658781, ClinGen allele CA10580084.